The following is an entry in ClinVar:

ClinVar aggregate classification (germline): Uncertain significance. Review status: criteria provided, single submitter (1 of 4 stars). 2 submissions from 1 submitter: Uncertain significance (2). Last evaluated 2018-06-05.

Conditions:
Parkinsonism-dystonia, infantile. Identifiers: Orphanet 238455, MedGen C2751067, MONDO:0013150.
Classic dopamine transporter deficiency syndrome (PKDYS1). Also called: DOPAMINE TRANSPORTER DEFICIENCY SYNDROME; Parkinsonism-dystonia, infantile, 1. Identifiers: Orphanet 238455, MedGen C5700336, MONDO:0054835, OMIM 613135.

Submissions (2):

Labcorp Genetics (formerly Invitae), Labcorp
Classification: Uncertain significance for Infantile Parkinsonism-dystonia. Last evaluated: 2018-06-05. Review status: criteria provided, single submitter. Criteria: Invitae Variant Classification Sherloc (09022015). Collection method: clinical testing. Allele origin: germline.
Comment: This variant results in a copy number gain of the genomic region encompassing exon 15 of the SLC6A3 gene. The 5' boundary is likely confined to intron 14. The 3' end of this event is unknown as it extends beyond the assayed region for this gene and therefore may encompass additional genes. As the precise location of this event is unknown, it may be in tandem or it may be located elsewhere in the genome. This variant has not been reported in the literature in individuals with SLC6A3-related disease. In summary, the available evidence is currently insufficient to determine the role of this variant in disease. Therefore, it has been classified as a Variant of Uncertain Significance.

Labcorp Genetics (formerly Invitae), Labcorp
Classification: Uncertain significance for Parkinsonism-dystonia, infantile. Last evaluated: 2018-05-22. Review status: criteria provided, single submitter. Criteria: Invitae Variant Classification Sherloc (09022015). Collection method: clinical testing. Allele origin: germline.
Comment: In summary, the available evidence is currently insufficient to determine the role of this variant in disease. Therefore, it has been classified as a Variant of Uncertain Significance. This variant results in a copy number gain of the genomic region encompassing exon 15 of the SLC6A3 gene. The 5' boundary is likely confined to intron 14. The 3' end of this event is unknown as it extends beyond the assayed region for this gene and therefore may encompass additional genes. As the precise location of this event is unknown, it may be in tandem or it may be located elsewhere in the genome. This variant has not been reported in the literature in individuals with SLC6A3-related disease.

NC_000005.9:g.(?_1394830)_(1394893_?)dup

Gene: SLC6A3 (solute carrier family 6 member 3). Cytogenetic location: 5p15.33.
Variant type: Duplication.
Identifiers: ClinVar variation 1019641 (VCV001019641.8).